The following is an entry in ClinVar:

NM_007373.4(SHOC2):c.1302C>T (p.Asn434=)

Gene: SHOC2 (SHOC2 leucine rich repeat scaffold protein; plus strand). Cytogenetic location: 10q25.2.
Variant type: single nucleotide variant.
Coding change: c.1302C>T on transcript NM_007373.4 (MANE Select); coding-DNA position 1302, C replaced by T.
Protein change: p.Asn434=; no amino-acid change (asparagine 434 retained).
Molecular consequence: synonymous variant. On other transcripts: non-coding transcript variant (1).
Genome position (GRCh38, 1-based): chr10:111,009,265, C>T. VCF-style: chr10-111009265-C-T. GRCh37 (hg19) VCF-style: chr10-112769023-C-T.
Other names: p.N434N:AAC>AAT; NM_007373.3(SHOC2):c.1302C>T; c.1164C>T, p.Asn388= (NM_001269039.3); c.1302C>T, p.Asn434= (NM_001324336.2, NM_001324337.2).
Identifiers: ClinVar variation 139108 (VCV000139108.34), dbSNP rs146147503, ClinGen allele CA293482.

ClinVar aggregate classification (germline): Benign. Review status: reviewed by expert panel (3 of 4 stars). 9 submissions from 9 submitters: Benign (1). 8 of the submissions do not count toward it. Last evaluated 2017-04-03.

Conditions:
Cardiovascular phenotype. Identifiers: MedGen CN230736.
RASopathy. Also called: Noonan spectrum disorder; rasopathies. Identifiers: Orphanet 536391, MedGen C5555857, MONDO:0021060.

Allele frequency attached by ClinVar (database versions not stated): gnomAD exomes 0.00024 and 0.00070; ExAC 0.00083; ESP Exome Variant Server 0.00200; gnomAD 0.00249 and 0.00262; TOPMed 0.00289; 1000 Genomes Project 0.00459; 1000 Genomes Project 30x 0.00515.
gnomAD v4.1: 734 of 1,573,274 alleles (0.047%); highest among the groups gnomAD compares: African/African-American, 0.85%; 4 homozygotes.

Submissions (9):

ClinGen RASopathy Variant Curation Expert Panel
Classification: Benign for Noonan syndrome and Noonan-related syndrome. Last evaluated: 2017-04-03. Review status: reviewed by expert panel. Criteria: ClinGen RASopathy ACMG Specifications v1. Collection method: curation. Allele origin: germline. Inheritance: Autosomal dominant inheritance.
Comment: The c.1302C>T (p.Asn434=) variant in the SHOC2 gene has been identified in a patient with an alternate molecular basis for disease (BP5; ClinVar SCV000171633.12). The silent p.Asn434= variant is not predicted by MaxEntScan to impact splicing (BP7, BP4).The filtering allele frequency of the c.1302C>T (p.Asn434=) variant is 0.74% for African chromosomes by the Exome Aggregation Consortium (87/9772 with 95% CI), which is a high enough frequency to be classified as benign based on thresholds defined by the ClinGen RASopathy Expert panel for autosomal dominant RASopathy variants (BA1). In summary, this variant meets criteria to be classified as benign. RASopathy-specific ACMG/AMP criteria applied (PMID:29493581): BA1, BP5, BP4, BP7.

Labcorp Genetics (formerly Invitae), Labcorp
Classification: Benign for RASopathy. Last evaluated: 2026-02-03. Review status: criteria provided, single submitter. Criteria: Invitae Variant Classification Sherloc (09022015). Collection method: clinical testing. Allele origin: germline. Not counted in ClinVar's aggregate classification.

CeGaT Center for Human Genetics Tuebingen
Classification: Likely benign. Last evaluated: 2024-12-01. Review status: criteria provided, single submitter. Criteria: CeGaT Center For Human Genetics Tuebingen Variant Classification Criteria Version 2. Collection method: clinical testing. Allele origin: germline. Affected: yes. Observed: 2 variant alleles. Not counted in ClinVar's aggregate classification.
Comment: SHOC2: BP4, BS1

Blueprint Genetics
Classification: Likely benign. Last evaluated: 2024-08-30. Review status: criteria provided, single submitter. Criteria: ACMG Guidelines, 2015. Collection method: clinical testing. Allele origin: germline. Not counted in ClinVar's aggregate classification.

Ambry Genetics
Classification: Benign for Cardiovascular phenotype. Last evaluated: 2021-04-27. Review status: criteria provided, single submitter. Criteria: Ambry Variant Classification Scheme 2023. Collection method: clinical testing. Allele origin: germline. Not counted in ClinVar's aggregate classification.

Women's Health and Genetics/Laboratory Corporation of America, LabCorp
Classification: Benign. Last evaluated: 2019-12-09. Review status: criteria provided, single submitter. Criteria: LabCorp Variant Classification Summary - May 2015. Collection method: clinical testing. Allele origin: germline. Not counted in ClinVar's aggregate classification.

GeneDx
Classification: Benign. Last evaluated: 2016-06-06. Review status: criteria provided, single submitter. Criteria: GeneDx Variant Classification (06012015). Collection method: clinical testing. Allele origin: germline. Affected: yes. Not counted in ClinVar's aggregate classification.
Comment: This variant is considered likely benign or benign based on one or more of the following criteria: it is a conservative change, it occurs at a poorly conserved position in the protein, it is predicted to be benign by multiple in silico algorithms, and/or has population frequency not consistent with disease.

Breakthrough Genomics
Classification: Benign. Review status: criteria provided, single submitter. Criteria: ACMG Guidelines, 2015. Collection method: not provided. Allele origin: germline. Inheritance: Autosomal dominant inheritance. Affected: yes. Not counted in ClinVar's aggregate classification.

PreventionGenetics, part of Exact Sciences
Classification: Likely benign. Review status: criteria provided, single submitter. Criteria: ACMG Guidelines, 2015. Collection method: clinical testing. Allele origin: germline. Not counted in ClinVar's aggregate classification.